The following is an entry in ClinVar:

ClinVar aggregate classification (germline): Uncertain significance (1 of 4 stars; one submission).

Conditions:
Hereditary cancer-predisposing syndrome. Also called: Neoplastic Syndromes, Hereditary; Tumor predisposition; Hereditary Cancer Syndrome; Hereditary neoplastic syndrome. Identifiers: Orphanet 140162, MedGen C0027672, MeSH D009386, MONDO:0015356.

Submission:

Ambry Genetics
Classification: Uncertain significance for Hereditary cancer-predisposing syndrome. Last evaluated: 2026-04-24. Review status: criteria provided, single submitter. Criteria: Ambry Variant Classification Scheme 2023. Collection method: clinical testing. Allele origin: germline.
Comment: The c.295delG variant, located in coding exon 2 of the CDK4 gene, results from a deletion of one nucleotide at nucleotide position 295, causing a translational frameshift with a predicted alternate stop codon (p.D99Tfs*2). This alteration is expected to result in loss of function by premature protein truncation or nonsense-mediated mRNA decay. However, loss of function has not been established as a mechanism of disease. Based on the available evidence, the clinical significance of this variant remains unclear.

NM_000075.4(CDK4):c.295del (p.Asp99fs)

Gene: CDK4 (cyclin dependent kinase 4; minus strand). Cytogenetic location: 12q14.1.
Variant type: Deletion.
Coding change: c.295del on transcript NM_000075.4 (MANE Select); coding-DNA position 295, one base deleted (G; older notation c.295delG).
Protein change: p.Asp99fs; shifts the reading frame from aspartic acid 99.
Molecular consequence: frameshift variant.
Genome position (GRCh38, 1-based): chr12:57,751,266, C deleted on the plus strand (G on the coding strand, the reverse complement: CDK4 is on the minus strand); the first of 2 consecutive C bases (chr12:57,751,266-57,751,267); deleting either gives the same sequence. VCF-style (leftmost placement, unchanged base first): chr12-57751265-TC-T. GRCh37 (hg19) VCF-style: chr12-58145048-TC-T.
Other names: short protein forms D99fs.
Identifiers: ClinVar variation 4868604 (VCV004868604.1).
Genomic context (GRCh38, chr12:57,751,265, plus strand): 5'-ACCTTGATCGTTTCGGCTGGCAAGCCTGGTGGGGGTGCCTTGTCCAGATATGTCCTTAGG[TC>T]CTGGTCTACATGCTCAAACACCAGGGTTACCTTGATCTCCCGGTCAGTTCGGGATGTGGC-3'